The following is an entry in ClinVar:

ClinVar aggregate classification (germline): Uncertain significance (1 of 4 stars; one submission).

Submission:

Labcorp Genetics (formerly Invitae), Labcorp
Classification: Uncertain significance. Last evaluated: 2025-10-27. Review status: criteria provided, single submitter. Criteria: Invitae Variant Classification Sherloc (09022015). Collection method: clinical testing. Allele origin: germline.
Comment: This sequence change replaces methionine, which is neutral and non-polar, with threonine, which is neutral and polar, at codon 394 of the CCDC88A protein (p.Met394Thr). This variant is not present in population databases (gnomAD no frequency). This variant has not been reported in the literature in individuals affected with CCDC88A-related conditions. ClinVar contains an entry for this variant (Variation ID: 1521782). An algorithm developed to predict the effect of missense changes on protein structure and function (PolyPhen-2) suggests that this variant is likely to be disruptive. In summary, the available evidence is currently insufficient to determine the role of this variant in disease. Therefore, it has been classified as a Variant of Uncertain Significance.

NM_001365480.1(CCDC88A):c.1181T>C (p.Met394Thr)

Gene: CCDC88A (coiled-coil and HOOK domain protein 88A; minus strand). Cytogenetic location: 2p16.1.
Variant type: single nucleotide variant.
Coding change: c.1181T>C on transcript NM_001365480.1 (MANE Select); coding-DNA position 1181, T replaced by C.
Protein change: p.Met394Thr; replaces methionine 394 with threonine.
Molecular consequence: missense variant.
Genome position (GRCh38, 1-based): chr2:55,344,375, A>G on the plus strand (T>C on the coding strand, the complement: CCDC88A is on the minus strand). VCF-style: chr2-55344375-A-G. GRCh37 (hg19) VCF-style: chr2-55571511-A-G.
Other names: c.1181T>C, p.Met394Thr (NM_001135597.2, NM_001254943.2, NM_018084.5); short protein forms M394T.
Identifiers: ClinVar variation 1521782 (VCV001521782.7), dbSNP rs2104723411, ClinGen allele CA346905898.